The following is an entry in ClinVar:

NM_002907.4(RECQL):c.1701T>G (p.Ile567Met)

Genes: PYROXD1 (pyridine nucleotide-disulphide oxidoreductase domain 1; plus strand), RECQL (RecQ like helicase; minus strand). Cytogenetic location: 12p12.1.
Variant type: single nucleotide variant.
Coding change: c.1701T>G on transcript NM_002907.4 (MANE Select); coding-DNA position 1701, T replaced by G.
Protein change: p.Ile567Met; replaces isoleucine 567 with methionine.
Molecular consequence: missense variant. On other transcripts: 3 prime UTR variant (3).
Genome position (GRCh38, 1-based): chr12:21,471,065, A>C on the plus strand (T>G on the coding strand, the complement: RECQL is on the minus strand). VCF-style: chr12-21471065-A-C. GRCh37 (hg19) VCF-style: chr12-21623999-A-C.
Other names: c.1701T>G, p.Ile567Met (NM_032941.3); c.*2311A>C (NM_001350912.2, NM_001350913.2, NM_024854.5); short protein forms I567M.
Identifiers: ClinVar variation 5028046 (VCV005028046.1).

ClinVar aggregate classification (germline): Uncertain significance (1 of 4 stars; one submission).

Submission:

Ambry Genetics
Classification: Uncertain significance. Last evaluated: 2026-07-24. Review status: criteria provided, single submitter. Criteria: Ambry Variant Classification Scheme 2023. Collection method: clinical testing. Allele origin: germline.
Comment: The p.I567M variant (also known as c.1701T>G), located in coding exon 13 of the RECQL gene, results from a T to G substitution at nucleotide position 1701. The isoleucine at codon 567 is replaced by methionine, an amino acid with highly similar properties. This amino acid position is conserved. In addition, this alteration is predicted to be tolerated by in silico analysis. Based on the available evidence, the clinical significance of this variant remains unclear.